The following is an entry in ClinVar:

NM_015937.6(PIGT):c.1363G>A (p.Glu455Lys)

Gene: PIGT (phosphatidylinositol glycan anchor biosynthesis class T; plus strand). Cytogenetic location: 20q13.12.
Variant type: single nucleotide variant.
Coding change: c.1363G>A on transcript NM_015937.6 (MANE Select); coding-DNA position 1363, G replaced by A.
Protein change: p.Glu455Lys; replaces glutamic acid 455 with lysine.
Molecular consequence: missense variant. On other transcripts: non-coding transcript variant (5).
Genome position (GRCh38, 1-based): chr20:45,424,344, G>A. VCF-style: chr20-45424344-G-A. GRCh37 (hg19) VCF-style: chr20-44052984-G-A.
Other names: c.1195G>A, p.Glu399Lys (NM_001184728.3); c.1162G>A, p.Glu388Lys (NM_001184729.3); c.1057G>A, p.Glu353Lys (NM_001184730.3); c.1363G>A (NM_015937.4); short protein forms E353K, E388K, E399K, E455K.
Identifiers: ClinVar variation 2428946 (VCV002428946.5), dbSNP rs577271638, ClinGen allele CA9878225.

ClinVar aggregate classification (germline): Uncertain significance. Review status: criteria provided, multiple submitters, no conflicts (2 of 4 stars). 2 submissions from 2 submitters: Uncertain significance (2). Last evaluated 2025-04-14.

Conditions:
Inborn genetic diseases. Identifiers: MedGen C0950123, MeSH D030342.

Allele frequency attached by ClinVar (database versions not stated): ExAC 0.00001; gnomAD 0.00004; 1000 Genomes Project 30x 0.00016; 1000 Genomes Project 0.00020.
gnomAD v4.1: 22 of 1,614,174 alleles (0.0014%); highest among the groups gnomAD compares: East Asian, 0.0045%; no homozygotes.

Submissions (2):

Ambry Genetics
Classification: Uncertain significance for Inborn genetic diseases. Last evaluated: 2025-04-14. Review status: criteria provided, single submitter. Criteria: Ambry Variant Classification Scheme 2023. Collection method: clinical testing. Allele origin: germline.
Comment: The c.1363G>A (p.E455K) alteration is located in exon 10 (coding exon 10) of the PIGT gene. This alteration results from a G to A substitution at nucleotide position 1363, causing the glutamic acid (E) at amino acid position 455 to be replaced by a lysine (K). Based on data from gnomAD, the A allele has an overall frequency of 0.001% (3/281592) total alleles studied. Another alteration at the same codon, c.1363G>C (p.E455Q), has been detected along with a second PIGT variant in one individual with spastic hemiplegia, intellectual disability, and microcephaly (Li, 2022). This amino acid position is highly conserved in available vertebrate species. This alteration is predicted to be deleterious by in silico analysis. Based on insufficient or conflicting evidence, the clinical significance of this alteration remains unclear.

GeneDx
Classification: Uncertain significance. Last evaluated: 2022-08-05. Review status: criteria provided, single submitter. Criteria: GeneDx Variant Classification Process June 2021. Collection method: clinical testing. Allele origin: germline. Affected: yes.
Comment: Not observed at significant frequency in large population cohorts (gnomAD); In silico analysis supports that this missense variant has a deleterious effect on protein structure/function; Has not been previously published as pathogenic or benign to our knowledge

Literature cited by the submitters: PubMed 34077496 (cited by Ambry Genetics).